The following is an entry in ClinVar:

ClinVar aggregate classification (germline): Likely benign. Review status: criteria provided, multiple submitters, no conflicts (2 of 4 stars). 3 submissions from 3 submitters: Likely benign (3). Last evaluated 2025-03-19.

Conditions:
Hereditary cancer-predisposing syndrome. Also called: Neoplastic Syndromes, Hereditary; Tumor predisposition; Hereditary Cancer Syndrome; Hereditary neoplastic syndrome. Identifiers: Orphanet 140162, MedGen C0027672, MeSH D009386, MONDO:0015356.
Familial cancer of breast. Also called: BREAST CANCER, FAMILIAL; Hereditary breast cancer; hereditary breast carcinoma. Identifiers: Orphanet 227535, MedGen C0346153, MONDO:0016419, OMIM 114480. Disease mechanism: loss of function.

Submissions (3):

Labcorp Genetics (formerly Invitae), Labcorp
Classification: Likely benign for Familial cancer of breast. Last evaluated: 2025-03-19. Review status: criteria provided, single submitter. Criteria: Invitae Variant Classification Sherloc (09022015). Collection method: clinical testing. Allele origin: germline.

Myriad Genetics, Inc.
Classification: Likely benign for Familial cancer of breast. Last evaluated: 2024-07-29. Review status: criteria provided, single submitter. Criteria: Myriad Autosomal Dominant, Autosomal Recessive and X-Linked Classification Criteria (2023). Collection method: clinical testing. Allele origin: unknown.
Comment: This variant is considered likely benign. This variant is intronic and is not expected to impact mRNA splicing.

Color Diagnostics, LLC DBA Color Health
Classification: Likely benign for Hereditary cancer-predisposing syndrome. Last evaluated: 2020-01-27. Review status: criteria provided, single submitter. Criteria: ACMG Guidelines, 2015. Collection method: clinical testing. Allele origin: germline.

NM_000465.4(BARD1):c.2002-15T>C

Gene: BARD1 (BRCA1 associated RING domain 1; minus strand). Cytogenetic location: 2q35.
Variant type: single nucleotide variant.
Coding change: c.2002-15T>C on transcript NM_000465.4 (MANE Select); 15 bases into the intron before coding-DNA position 2002, T replaced by C.
Molecular consequence: intron variant.
Genome position (GRCh38, 1-based): chr2:214,729,023, A>G on the plus strand (T>C on the coding strand, the complement: BARD1 is on the minus strand). VCF-style: chr2-214729023-A-G. GRCh37 (hg19) VCF-style: chr2-215593747-A-G.
Other names: c.592-15T>C (NM_001282548.2); c.1945-15T>C (NM_001282543.2); c.649-15T>C (NM_001282545.2); c.463-15T>C (NM_001282549.2).
Identifiers: ClinVar variation 926650 (VCV000926650.5), dbSNP rs1692232291, ClinGen allele CA1139657672.